The following is an entry in ClinVar:

NM_000057.4(BLM):c.3210+3A>G

Gene: BLM (BLM RecQ like helicase; plus strand). Cytogenetic location: 15q26.1.
Variant type: single nucleotide variant.
Coding change: c.3210+3A>G on transcript NM_000057.4 (MANE Select); 3 bases into the intron after coding-DNA position 3210, A replaced by G.
Molecular consequence: intron variant.
Genome position (GRCh38, 1-based): chr15:90,794,360, A>G. VCF-style: chr15-90794360-A-G. GRCh37 (hg19) VCF-style: chr15-91337590-A-G.
Other names: c.3210+3A>G (NM_001287246.2, NM_001287247.2); c.2085+3A>G (NM_001287248.2).
Identifiers: ClinVar variation 2917260 (VCV002917260.3), dbSNP rs2151187459, ClinGen allele CA645579463.

ClinVar aggregate classification (germline): Uncertain significance (1 of 4 stars; one submission).

Conditions:
Bloom syndrome (BLM). Also called: Bloom-Torre-Machacek syndrome. Identifiers: Orphanet 125, MedGen C0005859, MONDO:0008876, OMIM 210900.

gnomAD v4.1: 2 of 1,569,980 alleles (0.00013%); highest among the groups gnomAD compares: Non-Finnish European, 0.00017%; no homozygotes.

Submission:

Labcorp Genetics (formerly Invitae), Labcorp
Classification: Uncertain significance for Bloom syndrome. Last evaluated: 2024-01-08. Review status: criteria provided, single submitter. Criteria: Invitae Variant Classification Sherloc (09022015). Collection method: clinical testing. Allele origin: germline.
Comment: This sequence change falls in intron 16 of the BLM gene. It does not directly change the encoded amino acid sequence of the BLM protein. It affects a nucleotide within the consensus splice site. This variant is not present in population databases (gnomAD no frequency). This variant has not been reported in the literature in individuals affected with BLM-related conditions. Variants that disrupt the consensus splice site are a relatively common cause of aberrant splicing (PMID: 17576681, 9536098). Algorithms developed to predict the effect of sequence changes on RNA splicing suggest that this variant may disrupt the consensus splice site. In summary, the available evidence is currently insufficient to determine the role of this variant in disease. Therefore, it has been classified as a Variant of Uncertain Significance.

Literature cited by the submitters: PubMed 17576681; PubMed 9536098.